The following is an entry in ClinVar:

ClinVar aggregate classification (germline): Uncertain significance. Review status: criteria provided, multiple submitters, no conflicts (2 of 4 stars). 2 submissions from 2 submitters: Uncertain significance (2). Last evaluated 2024-05-25.

Conditions:
Inborn genetic diseases. Identifiers: MedGen C0950123, MeSH D030342.

Submissions (2):

Ambry Genetics
Classification: Uncertain significance for Inborn genetic diseases. Last evaluated: 2024-05-25. Review status: criteria provided, single submitter. Criteria: Ambry Variant Classification Scheme 2023. Collection method: clinical testing. Allele origin: germline.
Comment: The p.H1076R variant (also known as c.3227A>G), located in coding exon 16 of the ATR gene, results from an A to G substitution at nucleotide position 3227. The histidine at codon 1076 is replaced by arginine, an amino acid with highly similar properties. This amino acid position is conserved. In addition, this alteration is predicted to be deleterious by in silico analysis. Based on the available evidence, the clinical significance of this variant remains unclear.

CeGaT Center for Human Genetics Tuebingen
Classification: Uncertain significance. Last evaluated: 2023-01-01. Review status: criteria provided, single submitter. Criteria: CeGaT Center For Human Genetics Tuebingen Variant Classification Criteria Version 2. Collection method: clinical testing. Allele origin: germline. Affected: yes. Observed: 1 variant allele.
Comment: ATR: PM2, PP2

NM_001184.4(ATR):c.3227A>G (p.His1076Arg)

Gene: ATR (ATR checkpoint kinase; minus strand). Cytogenetic location: 3q23.
Variant type: single nucleotide variant.
Coding change: c.3227A>G on transcript NM_001184.4 (MANE Select); coding-DNA position 3227, A replaced by G.
Protein change: p.His1076Arg; replaces histidine 1076 with arginine.
Molecular consequence: missense variant.
Genome position (GRCh38, 1-based): chr3:142,547,855, T>C on the plus strand (A>G on the coding strand, the complement: ATR is on the minus strand). VCF-style: chr3-142547855-T-C. GRCh37 (hg19) VCF-style: chr3-142266697-T-C.
Other names: c.3035A>G, p.His1012Arg (NM_001354579.2); c.3227A>G (NM_001184.3); short protein forms H1012R, H1076R.
Identifiers: ClinVar variation 2654205 (VCV002654205.25), dbSNP rs2108451575, ClinGen allele CA354810824.
Genomic context (GRCh38, chr3:142,547,855, plus strand): 5'-ATTGACAAACCATTAAAAACCTGTTGATAGTGTTCTCCAATACGCAGCAATAATTCATTA[T>C]GCAATCCTTGGAAATCTTGTCTCAACAGGCTCCCCAGTTCAATTTCTGTTTCATTCTAAC-3'
Protein context (NP_001175.2, residues 1066-1086): SLLRQDFQGL[His1076Arg]NELLLRIGEH